The following is an entry in ClinVar:

NM_032228.6(FAR1):c.100T>G (p.Cys34Gly)

Gene: FAR1 (fatty acyl-CoA reductase 1; plus strand). Cytogenetic location: 11p15.3.
Variant type: single nucleotide variant.
Coding change: c.100T>G on transcript NM_032228.6 (MANE Select); coding-DNA position 100, T replaced by G.
Protein change: p.Cys34Gly; replaces cysteine 34 with glycine.
Molecular consequence: missense variant.
Genome position (GRCh38, 1-based): chr11:13,694,865, T>G. VCF-style: chr11-13694865-T-G. GRCh37 (hg19) VCF-style: chr11-13716412-T-G.
Other names: short protein forms C34G.
Identifiers: ClinVar variation 3630305 (VCV003630305.2).
Genomic context (GRCh38, chr11:13,694,865, plus strand): 5'-CTCCTCACAGGAGCTACCGGTTTTCTAGGGAAGGTGCTTCTGGAAAAGTTGCTGAGGTCT[T>G]GTCCTAAGGTGAATTCAGTATATGTTTTGGTGAGGCAGAAAGCTGGACAGACACCACAAG-3'
Protein context (NP_115604.1, residues 24-44): KVLLEKLLRS[Cys34Gly]PKVNSVYVLV

ClinVar aggregate classification (germline): Uncertain significance (1 of 4 stars; one submission).

Submission:

Labcorp Genetics (formerly Invitae), Labcorp
Classification: Uncertain significance. Last evaluated: 2024-04-19. Review status: criteria provided, single submitter. Criteria: Invitae Variant Classification Sherloc (09022015). Collection method: clinical testing. Allele origin: germline.
Comment: This sequence change replaces cysteine, which is neutral and slightly polar, with glycine, which is neutral and non-polar, at codon 34 of the FAR1 protein (p.Cys34Gly). This variant is not present in population databases (gnomAD no frequency). This variant has not been reported in the literature in individuals affected with FAR1-related conditions. Advanced modeling of protein sequence and biophysical properties (such as structural, functional, and spatial information, amino acid conservation, physicochemical variation, residue mobility, and thermodynamic stability) has been performed at Invitae for this missense variant, however the output from this modeling did not meet the statistical confidence thresholds required to predict the impact of this variant on FAR1 protein function. In summary, the available evidence is currently insufficient to determine the role of this variant in disease. Therefore, it has been classified as a Variant of Uncertain Significance.